The following is an entry in ClinVar:

ClinVar aggregate classification (germline): Benign (1 of 4 stars; one submission).

Conditions:
Multiple endocrine neoplasia, type 1 (MEN1). Also called: MEN I; WERMER SYNDROME; Endocrine adenomatosis multiple; MEN 1; MEA I. Identifiers: Orphanet 652, MedGen C0025267, MeSH D018761, MONDO:0007540, OMIM 131100.

Submission:

Myriad Genetics, Inc.
Classification: Benign for Multiple endocrine neoplasia, type 1. Last evaluated: 2024-11-05. Review status: criteria provided, single submitter. Criteria: Myriad Autosomal Dominant, Autosomal Recessive and X-Linked Classification Criteria (2023). Collection method: clinical testing. Allele origin: unknown.
Comment: This variant is considered benign. This variant is a silent/synonymous amino acid change and it is not expected to impact splicing.

NM_001370259.2(MEN1):c.1449A>G (p.Pro483=)

Gene: MEN1 (menin 1; minus strand). Cytogenetic location: 11q13.1.
Variant type: single nucleotide variant.
Coding change: c.1449A>G on transcript NM_001370259.2 (MANE Select); coding-DNA position 1449, A replaced by G.
Protein change: p.Pro483=; no amino-acid change (proline 483 retained).
Molecular consequence: synonymous variant. On other transcripts: non-coding transcript variant (4).
Genome position (GRCh38, 1-based): chr11:64,804,718, T>C on the plus strand (A>G on the coding strand, the complement: MEN1 is on the minus strand). VCF-style: chr11-64804718-T-C. GRCh37 (hg19) VCF-style: chr11-64572190-T-C.
Other names: c.1464A>G, p.Pro488= (NM_000244.4, NM_001407145.1, NM_130804.3 and 4 more transcripts); c.1575A>G, p.Pro525= (NM_001370251.2, NM_001407142.1, NM_001407143.1 and 1 more transcripts); c.1449A>G, p.Pro483= (NM_001370260.2, NM_001370261.2, NM_001407146.1 and 2 more transcripts); c.1344A>G, p.Pro448= (NM_001370262.2, NM_001370263.2, NM_001407148.1 and 1 more transcripts); c.1590A>G, p.Pro530= (NM_001407150.1); c.1470A>G, p.Pro490= (NM_001407151.1); c.1284A>G, p.Pro428= (NM_001407152.1).
Identifiers: ClinVar variation 3773220 (VCV003773220.1).